The following is an entry in ClinVar:

ClinVar aggregate classification (germline): Pathogenic (1 of 4 stars; one submission).

Conditions:
Hereditary cancer-predisposing syndrome. Also called: Tumor predisposition; Neoplastic Syndromes, Hereditary; Hereditary neoplastic syndrome; Hereditary Cancer Syndrome. Identifiers: Orphanet 140162, MedGen C0027672, MeSH D009386, MONDO:0015356.

Submission:

Ambry Genetics
Classification: Pathogenic for Hereditary cancer-predisposing syndrome. Last evaluated: 2026-04-01. Review status: criteria provided, single submitter. Criteria: Ambry Variant Classification Scheme 2023. Collection method: clinical testing. Allele origin: germline.
Comment: The c.2567delA pathogenic mutation, located in coding exon 9 of the BRCA1 gene, results from a deletion of one nucleotide at nucleotide position 2567, causing a translational frameshift with a predicted alternate stop codon (p.Y856Ffs*37). This variant is considered to be rare based on population cohorts in the Genome Aggregation Database (gnomAD). This alteration is expected to result in loss of function by premature protein truncation or nonsense-mediated mRNA decay. As such, this alteration is interpreted as a disease-causing mutation.

NM_007294.4(BRCA1):c.2567del (p.Tyr856fs)

Gene: BRCA1 (BRCA1 DNA repair associated; minus strand). Cytogenetic location: 17q21.31.
Variant type: Deletion.
Coding change: c.2567del on transcript NM_007294.4 (MANE Select); coding-DNA position 2567, one base deleted (A; older notation c.2567delA).
Protein change: p.Tyr856fs; shifts the reading frame from tyrosine 856.
Molecular consequence: frameshift variant. On other transcripts: intron variant (137).
Genome position (GRCh38, 1-based): chr17:43,092,964, T deleted on the plus strand (A on the coding strand, the reverse complement: BRCA1 is on the minus strand). VCF-style (leftmost placement, unchanged base first): chr17-43092963-AT-A. GRCh37 (hg19) VCF-style: chr17-41244980-AT-A.
Other names: c.2444del, p.Tyr815fs (NM_001407939.1, NM_001407648.1, NM_001407664.1 and 19 more transcripts); c.2441del, p.Tyr814fs (NM_001407940.1, NM_001407941.1, NM_001407649.1 and 11 more transcripts); c.2426del, p.Tyr809fs (NM_001407942.1, NM_001407944.1, NM_001407945.1 and 29 more transcripts); c.2423del, p.Tyr808fs (NM_001407943.1, NM_001407964.1, NM_001407740.1 and 20 more transcripts); c.2234del, p.Tyr745fs (NM_001407946.1, NM_001407947.1, NM_001407948.1 and 6 more transcripts); c.2231del, p.Tyr744fs (NM_001407954.1, NM_001407955.1, NM_001407956.1 and 1 more transcripts); c.2186del, p.Tyr729fs (NM_001407959.1, NM_001407960.1, NM_001407963.1); c.2183del, p.Tyr728fs (NM_001407962.1); and 41 more; short protein forms Y856fs, Y809fs, Y688fs, Y728fs, Y729fs, Y768fs, Y789fs, Y829fs.
Identifiers: ClinVar variation 821496 (VCV000821496.6), dbSNP rs1597869157, ClinGen allele CA915950060.
Genomic context (GRCh38, chr17:43,092,963, plus strand): 5'-TCCTGGATTTGAAAACGGAGCAAATGACTGGCGCTTTGAAACCTTGAATGTATTCTGCAA[AT>A]ACTGAGCATCAAGTTCACTTTCTTCCATTTCTATGCTTGTTTCCCGACTGTGGTTAACTT-3'